The following is an entry in ClinVar:

ClinVar aggregate classification (germline): Uncertain significance (1 of 4 stars; one submission).

Conditions:
Choanal atresia-hearing loss-cardiac defects-craniofacial dysmorphism syndrome (BMKS). Also called: Burn-McKeown Syndrome (BMKS); Burn-McKeown syndrome; Branchio oculo facial syndrome Hing type; OCULOOTOFACIAL DYSPLASIA. Identifiers: Orphanet 1200, MedGen C1837822, MONDO:0012064, OMIM 608572.

Submission:

Juno Genomics, Hangzhou Juno Genomics, Inc
Classification: Uncertain significance for Choanal atresia-hearing loss-cardiac defects-craniofacial dysmorphism syndrome. Review status: criteria provided, single submitter. Criteria: ACMG Guidelines, 2015. Collection method: clinical testing. Allele origin: germline.
Comment: Absent from controls (or at extremely low frequency if recessive) in Genome Aggregation Database.;Multiple lines of computational evidence support a deleterious effect on the gene or gene product.

NM_006701.5(TXNL4A):c.160A>C (p.Asn54His)

Gene: TXNL4A (thioredoxin like 4A; minus strand). Cytogenetic location: 18q23.
Variant type: single nucleotide variant.
Coding change: c.160A>C on transcript NM_006701.5 (MANE Select); coding-DNA position 160, A replaced by C.
Protein change: p.Asn54His; replaces asparagine 54 with histidine.
Molecular consequence: missense variant. On other transcripts: 5 prime UTR variant (2), non-coding transcript variant (2).
Genome position (GRCh38, 1-based): chr18:79,977,695, T>G on the plus strand (A>C on the coding strand, the complement: TXNL4A is on the minus strand). VCF-style: chr18-79977695-T-G. GRCh37 (hg19) VCF-style: chr18-77737695-T-G.
Other names: c.43A>C, p.Asn15His (NM_001303471.3); c.136A>C, p.Asn46His (NM_001305557.2); c.-54A>C (NM_001305563.2, NM_001305564.2); short protein forms N15H, N54H, N46H.
Identifiers: ClinVar variation 5005912 (VCV005005912.2).